The following is an entry in ClinVar:

ClinVar aggregate classification (germline): Likely benign. Review status: criteria provided, single submitter (1 of 4 stars). 2 submissions from 2 submitters: Likely benign (1). 1 of the submissions does not count toward it. Last evaluated 2022-08-04.

Conditions:
Rubinstein-Taybi syndrome due to EP300 haploinsufficiency. Also called: EP300-Related Rubinstein-Taybi Syndrome; RUBINSTEIN-TAYBI SYNDROME 2. Identifiers: Orphanet 353284, Orphanet 783, MedGen C3150941, MONDO:0013364, OMIM 613684.
EP300-related disorder. Also called: EP300-related disorders; EP300-related condition.

Allele frequency attached by ClinVar (database versions not stated): ExAC 0.00002; gnomAD 0.00002; TOPMed 0.00002; gnomAD exomes 0.00004; ESP Exome Variant Server 0.00015.

Submissions (2):

Labcorp Genetics (formerly Invitae), Labcorp
Classification: Likely benign for Rubinstein-Taybi syndrome due to EP300 haploinsufficiency. Last evaluated: 2022-08-04. Review status: criteria provided, single submitter. Criteria: Invitae Variant Classification Sherloc (09022015). Collection method: clinical testing. Allele origin: germline.

PreventionGenetics, part of Exact Sciences
Classification: Likely benign for EP300-related condition. Last evaluated: 2023-05-17. Review status: no assertion criteria provided. Collection method: clinical testing. Allele origin: germline. Not counted in ClinVar's aggregate classification.
Comment: This variant is classified as likely benign based on ACMG/AMP sequence variant interpretation guidelines (Richards et al. 2015 PMID: 25741868, with internal and published modifications).

NM_001429.4(EP300):c.5007C>G (p.Thr1669=)

Gene: EP300 (EP300 lysine acetyltransferase; plus strand). Cytogenetic location: 22q13.2.
Variant type: single nucleotide variant.
Coding change: c.5007C>G on transcript NM_001429.4 (MANE Select); coding-DNA position 5007, C replaced by G.
Protein change: p.Thr1669=; no amino-acid change (threonine 1669 retained).
Molecular consequence: synonymous variant.
Genome position (GRCh38, 1-based): chr22:41,176,474, C>G. VCF-style: chr22-41176474-C-G. GRCh37 (hg19) VCF-style: chr22-41572478-C-G.
Other names: c.4929C>G, p.Thr1643= (NM_001362843.2); c.5007C>G (NM_001429.3).
Identifiers: ClinVar variation 2083855 (VCV002083855.6), dbSNP rs367915829, ClinGen allele CA10253560.
Genomic context (GRCh38, chr22:41,176,474, plus strand): 5'-GTCCACCATGTGCATGCTGGTGGAGCTGCACACGCAGAGCCAGGACCGCTTTGTCTACAC[C>G]TGCAATGAATGCAAGCACCATGTGGAGACACGCTGGCACTGTACTGTCTGTGAGGTAGGC-3'
Protein context (NP_001420.2, residues 1659-1679): HTQSQDRFVY[Thr1669=]CNECKHHVET